The following is an entry in ClinVar:

ClinVar aggregate classification (germline): Uncertain significance (1 of 4 stars; one submission).

Allele frequency attached by ClinVar (database versions not stated): TOPMed below 0.00001.
gnomAD v4.1: 1 of 1,614,216 alleles (0.000062%); highest among the groups gnomAD compares: Non-Finnish European, 0.000085%; no homozygotes.

Submission:

Labcorp Genetics (formerly Invitae), Labcorp
Classification: Uncertain significance. Last evaluated: 2022-11-15. Review status: criteria provided, single submitter. Criteria: Invitae Variant Classification Sherloc (09022015). Collection method: clinical testing. Allele origin: germline.
Comment: In summary, the available evidence is currently insufficient to determine the role of this variant in disease. Therefore, it has been classified as a Variant of Uncertain Significance. Algorithms developed to predict the effect of missense changes on protein structure and function are either unavailable or do not agree on the potential impact of this missense change (SIFT: "Deleterious"; PolyPhen-2: "Possibly Damaging"; Align-GVGD: "Class C15"). This variant has not been reported in the literature in individuals affected with PAX4-related conditions. This variant is not present in population databases (gnomAD no frequency). This sequence change replaces proline, which is neutral and non-polar, with arginine, which is basic and polar, at codon 75 of the PAX4 protein (p.Pro75Arg).

NM_001366110.1(PAX4):c.248C>G (p.Pro83Arg)

Gene: PAX4 (paired box 4; minus strand). Cytogenetic location: 7q32.1.
Variant type: single nucleotide variant.
Coding change: c.248C>G on transcript NM_001366110.1 (MANE Select); coding-DNA position 248, C replaced by G.
Protein change: p.Pro83Arg; replaces proline 83 with arginine.
Molecular consequence: missense variant.
Genome position (GRCh38, 1-based): chr7:127,614,992, G>C on the plus strand (C>G on the coding strand, the complement: PAX4 is on the minus strand). VCF-style: chr7-127614992-G-C. GRCh37 (hg19) VCF-style: chr7-127255046-G-C.
Other names: c.248C>G, p.Pro83Arg (NM_001366111.1); short protein forms P83R.
Identifiers: ClinVar variation 2871094 (VCV002871094.3), dbSNP rs1260268236, ClinGen allele CA369176253.